The following is an entry in ClinVar:

ClinVar aggregate classification (germline): Uncertain significance (1 of 4 stars; one submission).

Conditions:
Fanconi anemia (FA). Also called: Fanconi's anemia. Identifiers: Orphanet 84, MedGen C0015625, MeSH D005199, MONDO:0019391.

Submission:

Labcorp Genetics (formerly Invitae), Labcorp
Classification: Uncertain significance for Fanconi anemia. Last evaluated: 2024-06-23. Review status: criteria provided, single submitter. Criteria: Invitae Variant Classification Sherloc (09022015). Collection method: clinical testing. Allele origin: germline.
Comment: This sequence change replaces methionine, which is neutral and non-polar, with valine, which is neutral and non-polar, at codon 768 of the FANCM protein (p.Met768Val). This variant is not present in population databases (gnomAD no frequency). This variant has not been reported in the literature in individuals affected with FANCM-related conditions. ClinVar contains an entry for this variant (Variation ID: 645539). An algorithm developed to predict the effect of missense changes on protein structure and function (PolyPhen-2) suggests that this variant is likely to be tolerated. In summary, the available evidence is currently insufficient to determine the role of this variant in disease. Therefore, it has been classified as a Variant of Uncertain Significance.

NM_020937.4(FANCM):c.2302A>G (p.Met768Val)

Gene: FANCM (FA complementation group M; plus strand). Cytogenetic location: 14q21.2.
Variant type: single nucleotide variant.
Coding change: c.2302A>G on transcript NM_020937.4 (MANE Select); coding-DNA position 2302, A replaced by G.
Protein change: p.Met768Val; replaces methionine 768 with valine.
Molecular consequence: missense variant.
Genome position (GRCh38, 1-based): chr14:45,173,196, A>G. VCF-style: chr14-45173196-A-G. GRCh37 (hg19) VCF-style: chr14-45642399-A-G.
Other names: c.2302A>G (LRG_502t1); c.2224A>G, p.Met742Val (NM_001308133.2); short protein forms M742V, M768V.
Identifiers: ClinVar variation 645539 (VCV000645539.12), dbSNP rs1594795205, ClinGen allele CA389596884.